The following is an entry in ClinVar:

NM_031220.4(PITPNM3):c.1135G>A (p.Gly379Arg)

Gene: PITPNM3 (PITPNM family member 3; minus strand). Cytogenetic location: 17p13.2.
Variant type: single nucleotide variant.
Coding change: c.1135G>A on transcript NM_031220.4 (MANE Select); coding-DNA position 1135, G replaced by A.
Protein change: p.Gly379Arg; replaces glycine 379 with arginine.
Molecular consequence: missense variant.
Genome position (GRCh38, 1-based): chr17:6,474,555, C>T on the plus strand (G>A on the coding strand, the complement: PITPNM3 is on the minus strand). VCF-style: chr17-6474555-C-T. GRCh37 (hg19) VCF-style: chr17-6377875-C-T.
Other names: c.1027G>A, p.Gly343Arg (NM_001165966.2); c.1135G>A (NM_031220.3); short protein forms G379R, G343R.
Identifiers: ClinVar variation 1490622 (VCV001490622.7), dbSNP rs753444638, ClinGen allele CA8329595.
Genomic context (GRCh38, chr17:6,474,555, plus strand): 5'-GGAAGAAGTCGGACACATCGAAGTCAAAGCGGCCCAGGCTGACCTCAGGGAGCTGCGGCC[C>T]CCCAGCCGCCGGGGTCTCAGACTCATCCTTTAGCACGCTGGAGTGGATGCTGCGGAGGGA-3'
Protein context (NP_112497.2, residues 369-389): KDESETPAAG[Gly379Arg]PQLPEVSLGR

ClinVar aggregate classification (germline): Uncertain significance. Review status: criteria provided, multiple submitters, no conflicts (2 of 4 stars). 2 submissions from 2 submitters: Uncertain significance (2). Last evaluated 2024-10-08.

Allele frequency attached by ClinVar (database versions not stated): gnomAD exomes 0.00001 and 0.00004; TOPMed 0.00001; ExAC 0.00004.
gnomAD v4.1: 8 of 1,599,462 alleles (0.0005%); highest among the groups gnomAD compares: Admixed American, 0.012%; no homozygotes.

Submissions (2):

Labcorp Genetics (formerly Invitae), Labcorp
Classification: Uncertain significance. Last evaluated: 2024-10-08. Review status: criteria provided, single submitter. Criteria: Invitae Variant Classification Sherloc (09022015). Collection method: clinical testing. Allele origin: germline.
Comment: This sequence change replaces glycine, which is neutral and non-polar, with arginine, which is basic and polar, at codon 379 of the PITPNM3 protein (p.Gly379Arg). This variant is present in population databases (rs753444638, gnomAD 0.03%). This variant has not been reported in the literature in individuals affected with PITPNM3-related conditions. ClinVar contains an entry for this variant (Variation ID: 1490622). An algorithm developed to predict the effect of missense changes on protein structure and function (PolyPhen-2) suggests that this variant is likely to be tolerated. In summary, the available evidence is currently insufficient to determine the role of this variant in disease. Therefore, it has been classified as a Variant of Uncertain Significance.

Ambry Genetics
Classification: Uncertain significance. Last evaluated: 2024-03-01. Review status: criteria provided, single submitter. Criteria: Ambry Variant Classification Scheme 2023. Collection method: clinical testing. Allele origin: germline.